The following is an entry in ClinVar:

ClinVar aggregate classification (germline): Uncertain significance (1 of 4 stars; one submission).

Allele frequency attached by ClinVar (database versions not stated): gnomAD exomes below 0.00001; TOPMed 0.00001; ESP Exome Variant Server 0.00008.
gnomAD v4.1: 28 of 1,614,014 alleles (0.0017%); highest among the groups gnomAD compares: Non-Finnish European, 0.0021%; no homozygotes.

Submission:

Labcorp Genetics (formerly Invitae), Labcorp
Classification: Uncertain significance. Last evaluated: 2022-06-27. Review status: criteria provided, single submitter. Criteria: Invitae Variant Classification Sherloc (09022015). Collection method: clinical testing. Allele origin: germline.
Comment: This sequence change replaces isoleucine, which is neutral and non-polar, with methionine, which is neutral and non-polar, at codon 393 of the MCM4 protein (p.Ile393Met). This variant is present in population databases (rs369607097, gnomAD 0.002%). This variant has not been reported in the literature in individuals affected with MCM4-related conditions. Algorithms developed to predict the effect of missense changes on protein structure and function are either unavailable or do not agree on the potential impact of this missense change (SIFT: "Deleterious"; PolyPhen-2: "Probably Damaging"; Align-GVGD: "Class C0"). Algorithms developed to predict the effect of sequence changes on RNA splicing suggest that this variant may create or strengthen a splice site. In summary, the available evidence is currently insufficient to determine the role of this variant in disease. Therefore, it has been classified as a Variant of Uncertain Significance.

NM_182746.3(MCM4):c.1179C>G (p.Ile393Met)

Gene: MCM4 (minichromosome maintenance complex component 4; plus strand). Cytogenetic location: 8q11.21.
Variant type: single nucleotide variant.
Coding change: c.1179C>G on transcript NM_182746.3 (MANE Select); coding-DNA position 1179, C replaced by G.
Protein change: p.Ile393Met; replaces isoleucine 393 with methionine.
Molecular consequence: missense variant.
Genome position (GRCh38, 1-based): chr8:47,969,802, C>G. VCF-style: chr8-47969802-C-G. GRCh37 (hg19) VCF-style: chr8-48882362-C-G.
Other names: c.1179C>G, p.Ile393Met (NM_005914.4); short protein forms I393M.
Identifiers: ClinVar variation 1493005 (VCV001493005.5), dbSNP rs369607097, ClinGen allele CA176157985.